The following is an entry in ClinVar:

ClinVar aggregate classification (germline): Uncertain significance (1 of 4 stars; one submission).

Allele frequency attached by ClinVar (database versions not stated): gnomAD exomes below 0.00001; TOPMed below 0.00001; gnomAD 0.00001.
gnomAD v4.1: 2 of 1,613,944 alleles (0.00012%); highest among the groups gnomAD compares: Non-Finnish European, 0.00017%; no homozygotes.

Submission:

Labcorp Genetics (formerly Invitae), Labcorp
Classification: Uncertain significance. Last evaluated: 2023-03-08. Review status: criteria provided, single submitter. Criteria: Invitae Variant Classification Sherloc (09022015). Collection method: clinical testing. Allele origin: germline.
Comment: This variant is not present in population databases (gnomAD no frequency). This variant has not been reported in the literature in individuals affected with ERBIN-related conditions. ClinVar contains an entry for this variant (Variation ID: 2000247). An algorithm developed to predict the effect of missense changes on protein structure and function (PolyPhen-2) suggests that this variant is likely to be tolerated. In summary, the available evidence is currently insufficient to determine the role of this variant in disease. Therefore, it has been classified as a Variant of Uncertain Significance. This sequence change replaces serine, which is neutral and polar, with arginine, which is basic and polar, at codon 1190 of the ERBIN protein (p.Ser1190Arg).

NM_001253697.2(ERBIN):c.3568A>C (p.Ser1190Arg)

Gene: ERBIN (erbb2 interacting protein; plus strand). Cytogenetic location: 5q12.3.
Variant type: single nucleotide variant.
Coding change: c.3568A>C on transcript NM_001253697.2 (MANE Select); coding-DNA position 3568, A replaced by C.
Protein change: p.Ser1190Arg; replaces serine 1190 with arginine.
Molecular consequence: missense variant.
Genome position (GRCh38, 1-based): chr5:66,054,886, A>C. VCF-style: chr5-66054886-A-C. GRCh37 (hg19) VCF-style: chr5-65350714-A-C.
Other names: c.3568A>C, p.Ser1190Arg (NM_001006600.3, NM_001253698.2, NM_001253699.2 and 1 more transcripts); c.3556A>C, p.Ser1186Arg (NM_001253701.2); short protein forms S1190R, S1186R.
Identifiers: ClinVar variation 2000247 (VCV002000247.4), dbSNP rs1206457654, ClinGen allele CA359870111.